The following is an entry in ClinVar:

NM_005566.4(LDHA):c.53C>G (p.Thr18Ser)

Gene: LDHA (lactate dehydrogenase A; plus strand). Cytogenetic location: 11p15.1.
Variant type: single nucleotide variant.
Coding change: c.53C>G on transcript NM_005566.4 (MANE Select); coding-DNA position 53, C replaced by G.
Protein change: p.Thr18Ser; replaces threonine 18 with serine.
Molecular consequence: missense variant. On other transcripts: non-coding transcript variant (1).
Genome position (GRCh38, 1-based): chr11:18,396,895, C>G. VCF-style: chr11-18396895-C-G. GRCh37 (hg19) VCF-style: chr11-18418442-C-G.
Other names: c.53C>G, p.Thr18Ser (NM_001135239.2, NM_001165415.2, NM_001165416.2); c.140C>G, p.Thr47Ser (NM_001165414.2); short protein forms T47S, T18S.
Identifiers: ClinVar variation 2068289 (VCV002068289.2), dbSNP rs537487381, ClinGen allele CA5911171.
Genomic context (GRCh38, chr11:18,396,895, plus strand): 5'-AGTCCAATATGGCAACTCTAAAGGATCAGCTGATTTATAATCTTCTAAAGGAAGAACAGA[C>G]CCCCCAGAATAAGATTACAGTTGTTGGGGTTGGTGCTGTTGGCATGGCCTGTGCCATCAG-3'
Protein context (NP_005557.1, residues 8-28): LIYNLLKEEQ[Thr18Ser]PQNKITVVGV

ClinVar aggregate classification (germline): Uncertain significance. Review status: criteria provided, multiple submitters, no conflicts (2 of 4 stars). 2 submissions from 2 submitters: Uncertain significance (2). Last evaluated 2024-04-22.

Conditions:
Glycogen storage disease due to lactate dehydrogenase M-subunit deficiency (GSD11). Also called: Glycogen storage disease XI; GSD XI; LACTATE DEHYDROGENASE A DEFICIENCY. Identifiers: Orphanet 284426, MedGen C2931743, MONDO:0013047, OMIM 612933.

Allele frequency attached by ClinVar (database versions not stated): 1000 Genomes Project 0.00060; 1000 Genomes Project 30x 0.00078.

Submissions (2):

Fulgent Genetics
Classification: Uncertain significance for Glycogen storage disease due to lactate dehydrogenase M-subunit deficiency. Last evaluated: 2024-04-22. Review status: criteria provided, single submitter. Criteria: ACMG Guidelines, 2015. Collection method: clinical testing. Allele origin: germline.

Labcorp Genetics (formerly Invitae), Labcorp
Classification: Uncertain significance for Glycogen storage disease due to lactate dehydrogenase M-subunit deficiency. Last evaluated: 2022-08-16. Review status: criteria provided, single submitter. Criteria: Invitae Variant Classification Sherloc (09022015). Collection method: clinical testing. Allele origin: germline.
Comment: This sequence change replaces threonine, which is neutral and polar, with serine, which is neutral and polar, at codon 18 of the LDHA protein (p.Thr18Ser). This variant is present in population databases (rs537487381, gnomAD 0.1%). This variant has not been reported in the literature in individuals affected with LDHA-related conditions. Algorithms developed to predict the effect of missense changes on protein structure and function output the following: SIFT: "Tolerated"; PolyPhen-2: "Benign"; Align-GVGD: "Class C0". The serine amino acid residue is found in multiple mammalian species, which suggests that this missense change does not adversely affect protein function. In summary, the available evidence is currently insufficient to determine the role of this variant in disease. Therefore, it has been classified as a Variant of Uncertain Significance.